The following is an entry in ClinVar:

NM_000090.4(COL3A1):c.4280C>T (p.Thr1427Ile)

Gene: COL3A1 (collagen type III alpha 1 chain; plus strand). Cytogenetic location: 2q32.2.
Variant type: single nucleotide variant.
Coding change: c.4280C>T on transcript NM_000090.4 (MANE Select); coding-DNA position 4280, C replaced by T.
Protein change: p.Thr1427Ile; replaces threonine 1427 with isoleucine.
Molecular consequence: missense variant.
Genome position (GRCh38, 1-based): chr2:189,011,653, C>T. VCF-style: chr2-189011653-C-T. GRCh37 (hg19) VCF-style: chr2-189876379-C-T.
Other names: short protein forms T1427I.
Identifiers: ClinVar variation 3072533 (VCV003072533.1), dbSNP rs2469172634, ClinGen allele CA349850257.

ClinVar aggregate classification (germline): Uncertain significance (1 of 4 stars; one submission).

Conditions:
Ehlers-Danlos syndrome, type 4 (EDSVASC). Also called: Ehlers-Danlos Syndrome Type IV; Ehlers-Danlos syndrome vascular type; Ehlers Danlos syndrome, ecchymotic type; Ehlers Danlos syndrome, arterial type; Ehlers Danlos syndrome, Sack-Barabas type. Identifiers: Orphanet 286, MedGen C0268338, MONDO:0017314, OMIM 130050.

Submission:

All of Us Research Program, National Institutes of Health
Classification: Uncertain significance for Ehlers-Danlos syndrome, type 4. Last evaluated: 2023-08-15. Review status: criteria provided, single submitter. Criteria: ACMG Guidelines, 2015. Collection method: clinical testing. Allele origin: germline. Inheritance: Autosomal dominant inheritance. Observed: 1 variant allele, 1 heterozygote.
Comment: This study involves interpretation of variants in research participants for the purpose of population health screening. Participant phenotype was not available at the time of variant classification. Additional details can be found in publication PMID: 35346344, PMCID: PMC8962531